The following is an entry in ClinVar:

NM_001282531.3(ADNP):c.2872G>T (p.Asp958Tyr)

Gene: ADNP (activity dependent neuroprotector homeobox; minus strand). Cytogenetic location: 20q13.13.
Variant type: single nucleotide variant.
Coding change: c.2872G>T on transcript NM_001282531.3 (MANE Select); coding-DNA position 2872, G replaced by T.
Protein change: p.Asp958Tyr; replaces aspartic acid 958 with tyrosine.
Molecular consequence: missense variant.
Genome position (GRCh38, 1-based): chr20:50,891,842, C>A on the plus strand (G>T on the coding strand, the complement: ADNP is on the minus strand). VCF-style: chr20-50891842-C-A. GRCh37 (hg19) VCF-style: chr20-49508379-C-A.
Other names: c.2872G>T, p.Asp958Tyr (NM_001282532.2, NM_001347511.2, NM_015339.5 and 1 more transcripts); short protein forms D958Y.
Identifiers: ClinVar variation 1994462 (VCV001994462.4), dbSNP rs1375674457, ClinGen allele CA408967609.
Genomic context (GRCh38, chr20:50,891,842, plus strand): 5'-ATCCAGGCCCACTCTCAGATGGAGAAGCACCGTCTTTCCACTCAACAACATCGTCTTGGT[C>A]AACCTCACTATCAGATGCATTGTGCATTAGTTTGGTTGGTTCCTCAGTCAAATGAATAGT-3'
Protein context (NP_001269460.1, residues 948-968): LMHNASDSEV[Asp958Tyr]QDDVVEWKDG

ClinVar aggregate classification (germline): Uncertain significance (1 of 4 stars; one submission).

Submission:

Labcorp Genetics (formerly Invitae), Labcorp
Classification: Uncertain significance. Last evaluated: 2025-02-03. Review status: criteria provided, single submitter. Criteria: Invitae Variant Classification Sherloc (09022015). Collection method: clinical testing. Allele origin: germline.
Comment: This sequence change replaces aspartic acid, which is acidic and polar, with tyrosine, which is neutral and polar, at codon 958 of the ADNP protein (p.Asp958Tyr). This variant is not present in population databases (gnomAD no frequency). This variant has not been reported in the literature in individuals affected with ADNP-related conditions. ClinVar contains an entry for this variant (Variation ID: 1994462). An algorithm developed to predict the effect of missense changes on protein structure and function (PolyPhen-2) suggests that this variant is likely to be tolerated. In summary, the available evidence is currently insufficient to determine the role of this variant in disease. Therefore, it has been classified as a Variant of Uncertain Significance.